The following is an entry in ClinVar:

ClinVar aggregate classification (germline): Benign/Likely benign. Review status: criteria provided, multiple submitters, no conflicts (2 of 4 stars). 7 submissions from 7 submitters: Benign (1); Likely benign (6). Last evaluated 2026-01-26.

Conditions:
Familial cancer of breast. Also called: Hereditary breast cancer; BREAST CANCER, FAMILIAL; hereditary breast carcinoma. Identifiers: Orphanet 227535, MedGen C0346153, MONDO:0016419, OMIM 114480. Disease mechanism: loss of function.
Ovarian cancer. Also called: OVARIAN CANCER, SOMATIC. Identifiers: Orphanet 213500, MedGen C1140680, MONDO:0008170, OMIM 167000.
Hereditary cancer-predisposing syndrome. Also called: Tumor predisposition; Hereditary Cancer Syndrome; Neoplastic Syndromes, Hereditary; Hereditary neoplastic syndrome. Identifiers: Orphanet 140162, MedGen C0027672, MeSH D009386, MONDO:0015356.
Hereditary diffuse gastric adenocarcinoma (HDGC). Also called: DIFFUSE GASTRIC AND LOBULAR BREAST CANCER SYNDROME. Identifiers: Orphanet 26106, MedGen C1708349, MONDO:0007648, OMIM 137215.

Allele frequency attached by ClinVar (database versions not stated): TOPMed 0.00003; ESP Exome Variant Server 0.00008; gnomAD 0.00010.
gnomAD v4.1: 40 of 1,612,798 alleles (0.0025%); highest among the groups gnomAD compares: East Asian, 0.031%; no homozygotes.

Submissions (7):

Labcorp Genetics (formerly Invitae), Labcorp
Classification: Likely benign for Hereditary diffuse gastric adenocarcinoma. Last evaluated: 2026-01-26. Review status: criteria provided, single submitter. Criteria: Invitae Variant Classification Sherloc (09022015). Collection method: clinical testing. Allele origin: germline.

Myriad Genetics, Inc.
Classification: Likely benign for Hereditary diffuse gastric adenocarcinoma. Last evaluated: 2024-09-19. Review status: criteria provided, single submitter. Criteria: Myriad Autosomal Dominant, Autosomal Recessive and X-Linked Classification Criteria (2023). Collection method: clinical testing. Allele origin: unknown.
Comment: This variant is considered likely benign. This variant is intronic and is not expected to impact mRNA splicing.

Department of Pathology and Laboratory Medicine, Sinai Health System
Classification: Likely benign for Familial cancer of breast; Ovarian cancer. Last evaluated: 2023-06-12. Review status: criteria provided, single submitter. Criteria: ACMG Guidelines, 2015. Collection method: clinical testing. Allele origin: germline. Affected: yes.

Quest Diagnostics Nichols Institute San Juan Capistrano
Classification: Benign. Last evaluated: 2020-09-10. Review status: criteria provided, single submitter. Criteria: Quest Diagnostics criteria. Collection method: clinical testing. Allele origin: unknown.

GeneDx
Classification: Likely benign. Last evaluated: 2017-07-17. Review status: criteria provided, single submitter. Criteria: GeneDx Variant Classification (06012015). Collection method: clinical testing. Allele origin: germline. Affected: yes.
Comment: This variant is considered likely benign or benign based on one or more of the following criteria: it is a conservative change, it occurs at a poorly conserved position in the protein, it is predicted to be benign by multiple in silico algorithms, and/or has population frequency not consistent with disease.

PreventionGenetics, part of Exact Sciences
Classification: Likely benign. Last evaluated: 2017-07-14. Review status: criteria provided, single submitter. Criteria: ACMG Guidelines, 2015. Collection method: clinical testing. Allele origin: germline.

Color Diagnostics, LLC DBA Color Health
Classification: Likely benign for Hereditary cancer-predisposing syndrome. Last evaluated: 2017-01-12. Review status: criteria provided, single submitter. Criteria: ACMG Guidelines, 2015. Collection method: clinical testing. Allele origin: germline.

Literature cited by the submitters: PubMed 32107087 (cited by Quest Diagnostics Nichols Institute San Juan Capistrano).

NM_004360.5(CDH1):c.1711+9G>A

Gene: CDH1 (cadherin 1; plus strand). Cytogenetic location: 16q22.1.
Variant type: single nucleotide variant.
Coding change: c.1711+9G>A on transcript NM_004360.5 (MANE Select); 9 bases into the intron after coding-DNA position 1711, G replaced by A.
Molecular consequence: intron variant.
Genome position (GRCh38, 1-based): chr16:68,819,434, G>A. VCF-style: chr16-68819434-G-A. GRCh37 (hg19) VCF-style: chr16-68853337-G-A.
Other names: c.1711+9G>A (LRG_301t1); c.163+9G>A (NM_001317185.2); c.-254-2567G>A (NM_001317186.2); c.1528+9G>A (NM_001317184.2).
Identifiers: ClinVar variation 215833 (VCV000215833.18), dbSNP rs368770384, ClinGen allele CA336275.